The following is an entry in ClinVar:

ClinVar aggregate classification (germline): Pathogenic (1 of 4 stars; one submission).

Conditions:
Tuberous sclerosis 1 (TSC1). Identifiers: Orphanet 805, MedGen C1854465, MONDO:0008612, OMIM 191100.

Submission:

Myriad Genetics, Inc.
Classification: Pathogenic for Tuberous sclerosis 1. Last evaluated: 2025-07-30. Review status: criteria provided, single submitter. Criteria: Myriad Autosomal Dominant, Autosomal Recessive and X-Linked Classification Criteria (2023). Collection method: clinical testing. Allele origin: unknown.
Comment: This variant is considered pathogenic. This variant creates a frameshift predicted to result in premature protein truncation.

NM_000368.5(TSC1):c.1219del (p.Val407fs)

Gene: TSC1 (TSC complex subunit 1; minus strand). Cytogenetic location: 9q34.13.
Variant type: Deletion.
Coding change: c.1219del on transcript NM_000368.5 (MANE Select); coding-DNA position 1219, one base deleted (G; older notation c.1219delG).
Protein change: p.Val407fs; shifts the reading frame from valine 407.
Molecular consequence: frameshift variant. On other transcripts: non-coding transcript variant (5).
Genome position (GRCh38, 1-based): chr9:132,910,615, C deleted on the plus strand (G on the coding strand, the reverse complement: TSC1 is on the minus strand). VCF-style (leftmost placement, unchanged base first): chr9-132910614-AC-A. GRCh37 (hg19) VCF-style: chr9-135786001-AC-A.
Other names: c.856del, p.Val286fs (NM_001406618.1, NM_001406619.1, NM_001406624.1 and 5 more transcripts); c.853del, p.Val285fs (NM_001406620.1, NM_001406621.1, NM_001406622.1 and 2 more transcripts); c.268del, p.Val90fs (NM_001406626.1); c.1216del, p.Val406fs (NM_001162426.2, NM_001406597.1, NM_001406598.1 and 6 more transcripts); c.1066del, p.Val356fs (NM_001162427.2, NM_001406610.1); c.1219del, p.Val407fs (NM_001406592.1, NM_001406593.1, NM_001406594.1 and 7 more transcripts); c.1063del, p.Val355fs (NM_001406611.1, NM_001406612.1, NM_001406613.1); c.265del, p.Val89fs (NM_001406627.1, NM_001406628.1); and 1 more; short protein forms V285fs, V286fs, V355fs, V356fs, V406fs, V407fs, V56fs, V89fs.
Identifiers: ClinVar variation 4294243 (VCV004294243.1).